The following is an entry in ClinVar:

NM_000518.5(HBB):c.327del (p.Asn109fs)

Genes: HBB (hemoglobin subunit beta; minus strand), LOC107133510 (origin of replication at HBB; plus strand), LOC110006319 (beta-globin gene 3' regulatory region; plus strand). Cytogenetic location: 11p15.4.
Variant type: Deletion.
Coding change: c.327del on transcript NM_000518.5 (MANE Select); coding-DNA position 327, one base deleted (C; older notation c.327delC).
Protein change: p.Asn109fs; shifts the reading frame from asparagine 109.
Molecular consequence: frameshift variant.
Genome position (GRCh38, 1-based): chr11:5,225,715, G deleted on the plus strand (C on the coding strand, the reverse complement: HBB is on the minus strand). VCF-style (leftmost placement, unchanged base first): chr11-5225714-CG-C. GRCh37 (hg19) VCF-style: chr11-5246944-CG-C.
Other names: short protein forms N109fs.
Identifiers: ClinVar variation 4818703 (VCV004818703.1).

ClinVar aggregate classification (germline): Likely pathogenic (1 of 4 stars; one submission).

Conditions:
beta Thalassemia (BTHAL). Also called: Cooley's anemia; Erythroblastic anemia; Mediterranean anemia. Identifiers: Orphanet 848, MedGen C0005283, MONDO:0019402. Disease mechanism: loss of function.

Submission:

Natera, Inc.
Classification: Likely pathogenic for Beta thalassemia. Last evaluated: 2025-12-01. Review status: criteria provided, single submitter. Criteria: Natera Variant Classification Schema (03/2026). Collection method: clinical testing. Allele origin: germline.
Comment: The c.327del variant in HBB is a frameshift variant predicted to elongate the protein beyond the termination codon. This variant is expected to result in nonsense mediated decay, truncation, or a dysfunctional protein product. This variant is rare in the general population with a frequency below the threshold expected for the associated phenotype(s). This variant has been observed in affected individual(s) with monoallelic occurrence (heterozygous/hemizygous) (PMID: 1586746). Given the available evidence, this variant is classified as Likely Pathogenic.

Literature cited by the submitters: PubMed 1586746.